The following is an entry in ClinVar:

NM_012062.5(DNM1L):c.1267C>T (p.Arg423Cys)

Gene: DNM1L (dynamin 1L; plus strand). Cytogenetic location: 12p11.21.
Variant type: single nucleotide variant.
Coding change: c.1267C>T on transcript NM_012062.5 (MANE Select); coding-DNA position 1267, C replaced by T.
Protein change: p.Arg423Cys; replaces arginine 423 with cysteine.
Molecular consequence: missense variant.
Genome position (GRCh38, 1-based): chr12:32,731,422, C>T. VCF-style: chr12-32731422-C-T. GRCh37 (hg19) VCF-style: chr12-32884356-C-T.
Other names: c.1267C>T, p.Arg423Cys (NM_001278463.2, NM_005690.5, NM_012063.4); c.1306C>T, p.Arg436Cys (NM_001278464.2, NM_001278465.2, NM_001330380.2); c.658C>T, p.Arg220Cys (NM_001278466.2); c.1267C>T (NM_012062.3); short protein forms R423C, R436C, R220C.
Identifiers: ClinVar variation 1523949 (VCV001523949.9), dbSNP rs765555527, ClinGen allele CA6507496.

ClinVar aggregate classification (germline): Uncertain significance. Review status: criteria provided, multiple submitters, no conflicts (2 of 4 stars). 2 submissions from 2 submitters: Uncertain significance (2). Last evaluated 2026-08-13.

Conditions:
Inborn genetic diseases. Identifiers: MedGen C0950123, MeSH D030342.

Allele frequency attached by ClinVar (database versions not stated): gnomAD 0.00001; gnomAD exomes 0.00001; ExAC 0.00001.
gnomAD v4.1: 6 of 1,614,012 alleles (0.00037%); highest among the groups gnomAD compares: East Asian, 0.0022%; no homozygotes.

Submissions (2):

Ambry Genetics
Classification: Uncertain significance for Inborn genetic diseases. Last evaluated: 2026-08-13. Review status: criteria provided, single submitter. Criteria: Ambry Variant Classification Scheme 2023. Collection method: clinical testing. Allele origin: germline.
Comment: The c.1267C>T (p.R423C) alteration is located in exon 11 (coding exon 11) of the DNM1L gene. This alteration results from a C to T substitution at nucleotide position 1267, causing the arginine (R) at amino acid position 423 to be replaced by a cysteine (C). Based on data from gnomAD, the T allele has an overall frequency of 0.001% (3/282808) total alleles studied. The highest observed frequency was 0.008% (2/25124) of European (Finnish) alleles. Based on insufficient or conflicting evidence, the clinical significance of this alteration remains unclear.

Labcorp Genetics (formerly Invitae), Labcorp
Classification: Uncertain significance. Last evaluated: 2023-01-15. Review status: criteria provided, single submitter. Criteria: Invitae Variant Classification Sherloc (09022015). Collection method: clinical testing. Allele origin: germline.
Comment: This sequence change replaces arginine, which is basic and polar, with cysteine, which is neutral and slightly polar, at codon 423 of the DNM1L protein (p.Arg423Cys). This variant is present in population databases (rs765555527, gnomAD 0.008%). This variant has not been reported in the literature in individuals affected with DNM1L-related conditions. ClinVar contains an entry for this variant (Variation ID: 1523949). Algorithms developed to predict the effect of missense changes on protein structure and function (SIFT, PolyPhen-2, Align-GVGD) all suggest that this variant is likely to be disruptive. In summary, the available evidence is currently insufficient to determine the role of this variant in disease. Therefore, it has been classified as a Variant of Uncertain Significance.